The following is an entry in ClinVar:

NM_014712.3(SETD1A):c.1263C>T (p.Thr421=)

Gene: SETD1A (SET domain containing 1A, histone lysine methyltransferase; plus strand). Cytogenetic location: 16p11.2.
Variant type: single nucleotide variant.
Coding change: c.1263C>T on transcript NM_014712.3 (MANE Select); coding-DNA position 1263, C replaced by T.
Protein change: p.Thr421=; no amino-acid change (threonine 421 retained).
Molecular consequence: synonymous variant.
Genome position (GRCh38, 1-based): chr16:30,965,005, C>T. VCF-style: chr16-30965005-C-T. GRCh37 (hg19) VCF-style: chr16-30976326-C-T.
Identifiers: ClinVar variation 3239019 (VCV003239019.19), dbSNP rs760433703.
Genomic context (GRCh38, chr16:30,965,005, plus strand): 5'-AGCTGAGCGCTTCCCACCTTCTTACACCTCCTACCTGCCCCCCGAGCCCAGCCGGCCCAC[C>T]GACCAGGACTACCGGCCTCCTGCCTCAGAGGCTCCACCCCCGGAGCCTCCAGAACCTGGT-3'
Protein context (NP_055527.1, residues 411-431): SYLPPEPSRP[Thr421=]DQDYRPPASE

ClinVar aggregate classification (germline): Likely benign (1 of 4 stars; one submission).

Allele frequency attached by ClinVar (database versions not stated): gnomAD 0.00001; ExAC 0.00004.
gnomAD v4.1: 35 of 1,613,674 alleles (0.0022%); highest among the groups gnomAD compares: Middle Eastern, 0.033%; no homozygotes.

Submission:

CeGaT Center for Human Genetics Tuebingen
Classification: Likely benign. Last evaluated: 2024-10-01. Review status: criteria provided, single submitter. Criteria: CeGaT Center For Human Genetics Tuebingen Variant Classification Criteria Version 2. Collection method: clinical testing. Allele origin: germline. Affected: yes. Observed: 2 variant alleles.
Comment: SETD1A: BP4, BP7